The following is an entry in ClinVar:

ClinVar aggregate classification (germline): Pathogenic (1 of 4 stars; one submission).

gnomAD v4.1: 4 of 1,614,108 alleles (0.00025%); highest among the groups gnomAD compares: East Asian, 0.0022%; no homozygotes.

Submission:

Labcorp Genetics (formerly Invitae), Labcorp
Classification: Pathogenic. Last evaluated: 2025-02-02. Review status: criteria provided, single submitter. Criteria: Invitae Variant Classification Sherloc (09022015). Collection method: clinical testing. Allele origin: germline.
Comment: This sequence change creates a premature translational stop signal (p.Arg191*) in the MDH2 gene. It is expected to result in an absent or disrupted protein product. Loss-of-function variants in MDH2 are known to be pathogenic (PMID: 27989324). The frequency data for this variant in the population databases is considered unreliable, as metrics indicate poor data quality at this position in the gnomAD database. This variant has not been reported in the literature in individuals affected with MDH2-related conditions. Algorithms developed to predict the effect of sequence changes on RNA splicing suggest that this variant may disrupt the consensus splice site. For these reasons, this variant has been classified as Pathogenic.

Literature cited by the submitters: PubMed 27989324.

NM_005918.4(MDH2):c.571C>T (p.Arg191Ter)

Gene: MDH2 (malate dehydrogenase 2; plus strand). Cytogenetic location: 7q11.23.
Variant type: single nucleotide variant.
Coding change: c.571C>T on transcript NM_005918.4 (MANE Select); coding-DNA position 571, C replaced by T.
Protein change: p.Arg191Ter; replaces arginine 191 with a stop codon.
Molecular consequence: nonsense.
Genome position (GRCh38, 1-based): chr7:76,063,530, C>T. VCF-style: chr7-76063530-C-T. GRCh37 (hg19) VCF-style: chr7-75692848-C-T.
Other names: c.445C>T, p.Arg149Ter (NM_001282403.2); c.250C>T, p.Arg84Ter (NM_001282404.2); short protein forms R149*, R191*, R84*.
Identifiers: ClinVar variation 4805815 (VCV004805815.1).